The following is an entry in ClinVar:

NM_006206.6(PDGFRA):c.3085C>T (p.Pro1029Ser)

Gene: PDGFRA (platelet derived growth factor receptor alpha; plus strand). Cytogenetic location: 4q12.
Variant type: single nucleotide variant.
Coding change: c.3085C>T on transcript NM_006206.6 (MANE Select); coding-DNA position 3085, C replaced by T.
Protein change: p.Pro1029Ser; replaces proline 1029 with serine.
Molecular consequence: missense variant.
Genome position (GRCh38, 1-based): chr4:54,290,517, C>T. VCF-style: chr4-54290517-C-T. GRCh37 (hg19) VCF-style: chr4-55156684-C-T.
Other names: c.3160C>T, p.Pro1054Ser (NM_001347828.2); c.3085C>T, p.Pro1029Ser (NM_001347829.2); c.3124C>T, p.Pro1042Ser (NM_001347830.2); short protein forms P1054S, P1029S, P1042S.
Identifiers: ClinVar variation 947968 (VCV000947968.11), dbSNP rs1577748646, ClinGen allele CA356896342.

ClinVar aggregate classification (germline): Uncertain significance. Review status: criteria provided, multiple submitters, no conflicts (2 of 4 stars). 2 submissions from 2 submitters: Uncertain significance (2). Last evaluated 2024-04-27.

Conditions:
Hereditary cancer-predisposing syndrome. Also called: Hereditary neoplastic syndrome; Neoplastic Syndromes, Hereditary; Hereditary Cancer Syndrome; Tumor predisposition. Identifiers: Orphanet 140162, MedGen C0027672, MeSH D009386, MONDO:0015356.
Gastrointestinal stromal tumor. Also called: Gastrointestinal stromal tumor, somatic; Gastrointestinal stroma tumor. Identifiers: Orphanet 44890, MedGen C0238198, MeSH D046152, MONDO:0011719, OMIM 606764, HP:0100723.

Submissions (2):

Ambry Genetics
Classification: Uncertain significance for Hereditary cancer-predisposing syndrome. Last evaluated: 2024-04-27. Review status: criteria provided, single submitter. Criteria: Ambry Variant Classification Scheme 2023. Collection method: clinical testing. Allele origin: germline.
Comment: The p.P1029S variant (also known as c.3085C>T), located in coding exon 21 of the PDGFRA gene, results from a C to T substitution at nucleotide position 3085. The proline at codon 1029 is replaced by serine, an amino acid with similar properties. This amino acid position is conserved. In addition, this alteration is predicted to be tolerated by in silico analysis. Based on the available evidence, the clinical significance of this variant remains unclear.

Labcorp Genetics (formerly Invitae), Labcorp
Classification: Uncertain significance for Gastrointestinal stromal tumor. Last evaluated: 2023-08-04. Review status: criteria provided, single submitter. Criteria: Invitae Variant Classification Sherloc (09022015). Collection method: clinical testing. Allele origin: germline.
Comment: This variant has not been reported in the literature in individuals affected with PDGFRA-related conditions. In summary, the available evidence is currently insufficient to determine the role of this variant in disease. Therefore, it has been classified as a Variant of Uncertain Significance. Advanced modeling of protein sequence and biophysical properties (such as structural, functional, and spatial information, amino acid conservation, physicochemical variation, residue mobility, and thermodynamic stability) performed at Invitae indicates that this missense variant is not expected to disrupt PDGFRA protein function. ClinVar contains an entry for this variant (Variation ID: 947968). This variant is not present in population databases (gnomAD no frequency). This sequence change replaces proline, which is neutral and non-polar, with serine, which is neutral and polar, at codon 1029 of the PDGFRA protein (p.Pro1029Ser).